The following is an entry in ClinVar:

ClinVar aggregate classification (germline): Benign. Review status: criteria provided, multiple submitters, no conflicts (2 of 4 stars). 6 submissions from 5 submitters: Benign (5). 1 of the submissions does not count toward it. Last evaluated 2026-02-02.

Conditions:
Leigh syndrome (NULS). Also called: Leigh Disease; Subacute necrotizing encephalopathy; Necrotizing encephalopathy infantile subacute of Leigh; Leigh Syndrome (mtDNA deletion); Leigh's syndrome; LEIGH SYNDROME, NUCLEAR. Identifiers: Orphanet 506, MedGen C2931891, MONDO:0009723, OMIM 256000.
Mitochondrial complex IV deficiency, nuclear type 1 (MC4DN1). Also called: Mitochondrial complex IV deficiency; Complex 4 mitochondrial respiratory chain deficiency; Deficiency of mitochondrial respiratory chain complex4; Complex IV deficiency; COX DEFICIENCY. Identifiers: MedGen C5435656, MONDO:0700250, OMIM 220110. Disease mechanism: loss of function.

Allele frequency attached by ClinVar (database versions not stated): ESP Exome Variant Server 0.04990; TOPMed 0.05750; 1000 Genomes Project 0.06150; 1000 Genomes Project 30x 0.06230; gnomAD 0.06303 and 0.06385; gnomAD exomes 0.07440 and 0.07922; ExAC 0.07646.
gnomAD v4.1: 118,150 of 1,614,014 alleles (7.3%); highest among the groups gnomAD compares: East Asian, 12%; 4,910 homozygotes.

Submissions (19):

Labcorp Genetics (formerly Invitae), Labcorp
Classification: Benign. Last evaluated: 2026-02-02. Review status: criteria provided, single submitter. Criteria: Invitae Variant Classification Sherloc (09022015). Collection method: clinical testing. Allele origin: germline.

Illumina Laboratory Services, Illumina
Classification: Benign for Mitochondrial complex IV deficiency, nuclear type 1. Last evaluated: 2018-01-12. Review status: criteria provided, single submitter. Criteria: ICSL Variant Classification Criteria 13 December 2019. Collection method: clinical testing. Allele origin: germline.
Comment: This variant was observed in the ICSL laboratory as part of a predisposition screen in an ostensibly healthy population. It had not been previously curated by ICSL or reported in the Human Gene Mutation Database (HGMD: prior to June 1st, 2018), and was therefore a candidate for classification through an automated scoring system. Utilizing variant allele frequency, disease prevalence and penetrance estimates, and inheritance mode, an automated score was calculated to assess if this variant is too frequent to cause the disease. Based on the score and internal cut-off values, a variant classified as benign is not then subjected to further curation. The score for this variant resulted in a classification of benign for this disease.

Illumina Laboratory Services, Illumina
Classification: Benign for Leigh syndrome. Last evaluated: 2018-01-12. Review status: criteria provided, single submitter. Criteria: ICSL Variant Classification Criteria 13 December 2019. Collection method: clinical testing. Allele origin: germline.
Comment: the same text as in the submission from Illumina Laboratory Services, Illumina above.

GeneDx
Classification: Benign. Last evaluated: 2011-10-06. Review status: criteria provided, single submitter. Criteria: GeneDx Variant Classification (06012015). Collection method: clinical testing. Allele origin: germline. Affected: yes.
Comment: This variant is considered likely benign or benign based on one or more of the following criteria: it is a conservative change, it occurs at a poorly conserved position in the protein, it is predicted to be benign by multiple in silico algorithms, and/or has population frequency not consistent with disease.

Breakthrough Genomics
Classification: Benign. Review status: criteria provided, single submitter. Criteria: ACMG Guidelines, 2015. Collection method: not provided. Allele origin: germline. Inheritance: Autosomal recessive inheritance. Affected: yes.

Mayo Clinic Laboratories, Mayo Clinic
Classification: Benign. Last evaluated: 2016-02-23. Review status: no assertion criteria provided. Collection method: clinical testing. Allele origin: unknown. Not counted in ClinVar's aggregate classification.

Dr. Peter K. Rogan Lab, Western University
No classification provided (evidence only). Condition: Colorectal cancer. Review status: no classification provided. Collection method: in vitro. Allele origin: not applicable. Functional consequence: retained intron. Not counted in ClinVar's aggregate classification.

Dr. Peter K. Rogan Lab, Western University
No classification provided (evidence only). Condition: Colorectal cancer. Review status: no classification provided. Collection method: in vitro. Allele origin: not applicable. Functional consequence: retained intron. Not counted in ClinVar's aggregate classification.

Dr. Peter K. Rogan Lab, Western University
No classification provided (evidence only). Condition: Uterine corpus endometrial carcinoma. Review status: no classification provided. Collection method: in vitro. Allele origin: not applicable. Functional consequence: retained intron. Not counted in ClinVar's aggregate classification.

Dr. Peter K. Rogan Lab, Western University
No classification provided (evidence only). Condition: Uterine corpus endometrial carcinoma. Review status: no classification provided. Collection method: in vitro. Allele origin: not applicable. Functional consequence: retained intron. Not counted in ClinVar's aggregate classification.

Dr. Peter K. Rogan Lab, Western University
No classification provided (evidence only). Condition: Uterine corpus endometrial carcinoma. Review status: no classification provided. Collection method: in vitro. Allele origin: not applicable. Functional consequence: retained intron. Not counted in ClinVar's aggregate classification.

Dr. Peter K. Rogan Lab, Western University
No classification provided (evidence only). Condition: Uterine corpus endometrial carcinoma. Review status: no classification provided. Collection method: in vitro. Allele origin: not applicable. Functional consequence: retained intron. Not counted in ClinVar's aggregate classification.

Dr. Peter K. Rogan Lab, Western University
No classification provided (evidence only). Condition: Uterine corpus endometrial carcinoma. Review status: no classification provided. Collection method: in vitro. Allele origin: not applicable. Functional consequence: retained intron. Not counted in ClinVar's aggregate classification.

Dr. Peter K. Rogan Lab, Western University
No classification provided (evidence only). Condition: Malignant lymphoma, large B-cell, diffuse. Review status: no classification provided. Collection method: in vitro. Allele origin: not applicable. Functional consequence: retained intron. Not counted in ClinVar's aggregate classification.

Dr. Peter K. Rogan Lab, Western University
No classification provided (evidence only). Condition: Nonpapillary renal cell carcinoma. Review status: no classification provided. Collection method: in vitro. Allele origin: not applicable. Functional consequence: retained intron. Not counted in ClinVar's aggregate classification.

Dr. Peter K. Rogan Lab, Western University
No classification provided (evidence only). Condition: Thymoma. Review status: no classification provided. Collection method: in vitro. Allele origin: not applicable. Functional consequence: retained intron. Not counted in ClinVar's aggregate classification.

Dr. Peter K. Rogan Lab, Western University
No classification provided (evidence only). Condition: Cholangiocarcinoma. Review status: no classification provided. Collection method: in vitro. Allele origin: not applicable. Functional consequence: retained intron. Not counted in ClinVar's aggregate classification.

Dr. Peter K. Rogan Lab, Western University
No classification provided (evidence only). Condition: Adrenocortical carcinoma, hereditary. Review status: no classification provided. Collection method: in vitro. Allele origin: not applicable. Functional consequence: retained intron. Not counted in ClinVar's aggregate classification.

Dr. Peter K. Rogan Lab, Western University
No classification provided (evidence only). Condition: Uterine carcinosarcoma. Review status: no classification provided. Collection method: in vitro. Allele origin: not applicable. Functional consequence: retained intron. Not counted in ClinVar's aggregate classification.

NM_001303.4(COX10):c.184A>T (p.Thr62Ser)

Gene: COX10 (cytochrome c oxidase assembly factor heme A:farnesyltransferase COX10; plus strand). Cytogenetic location: 17p12.
Variant type: single nucleotide variant.
Coding change: c.184A>T on transcript NM_001303.4 (MANE Select); coding-DNA position 184, A replaced by T.
Protein change: p.Thr62Ser; replaces threonine 62 with serine.
Molecular consequence: missense variant.
Genome position (GRCh38, 1-based): chr17:14,076,741, A>T. VCF-style: chr17-14076741-A-T. GRCh37 (hg19) VCF-style: chr17-13980058-A-T.
Other names: p.T62S:ACA>TCA; short protein forms T62S.
Identifiers: ClinVar variation 137006 (VCV000137006.18), dbSNP rs2230351, ClinGen allele CA290472.